The following is an entry in ClinVar:

NM_020366.4(RPGRIP1):c.3749-6C>A

Gene: RPGRIP1 (RPGR interacting protein 1; plus strand). Cytogenetic location: 14q11.2.
Variant type: single nucleotide variant.
Coding change: c.3749-6C>A on transcript NM_020366.4 (MANE Select); 6 bases into the intron before coding-DNA position 3749, C replaced by A.
Molecular consequence: intron variant.
Genome position (GRCh38, 1-based): chr14:21,351,098, C>A. VCF-style: chr14-21351098-C-A. GRCh37 (hg19) VCF-style: chr14-21819257-C-A.
Other names: c.2675-6C>A (NM_001377948.1); c.1835-6C>A (NM_001377949.1); c.1727-6C>A (NM_001377523.1, NM_001377950.1); c.1232-6C>A (NM_001377951.1).
Identifiers: ClinVar variation 790873 (VCV000790873.18), dbSNP rs373373799, ClinGen allele CA7089609.

ClinVar aggregate classification (germline): Benign/Likely benign. Review status: criteria provided, multiple submitters, no conflicts (2 of 4 stars). 4 submissions from 4 submitters: Benign (3); Likely benign (1). Last evaluated 2026-02-04.

Conditions:
Leber congenital amaurosis 6 (LCA6). Identifiers: Orphanet 65, MedGen C1854260, MONDO:0013446, OMIM 613826.
Cone-rod dystrophy 13 (CORD13). Identifiers: Orphanet 1872, MedGen C2750720, MONDO:0011987, OMIM 608194.

Allele frequency attached by ClinVar (database versions not stated): gnomAD 0.00003; ESP Exome Variant Server 0.00008; TOPMed 0.00014; gnomAD exomes 0.00153; 1000 Genomes Project 30x 0.00156; 1000 Genomes Project 0.00200; ExAC 0.00252.
gnomAD v4.1: 1,072 of 1,575,610 alleles (0.068%); highest among the groups gnomAD compares: South Asian, 1.1%; 14 homozygotes.

Submissions (4):

Labcorp Genetics (formerly Invitae), Labcorp
Classification: Benign for Leber congenital amaurosis 6; Cone-rod dystrophy 13. Last evaluated: 2026-02-04. Review status: criteria provided, single submitter. Criteria: Invitae Variant Classification Sherloc (09022015). Collection method: clinical testing. Allele origin: germline.

CeGaT Center for Human Genetics Tuebingen
Classification: Benign. Last evaluated: 2025-11-01. Review status: criteria provided, single submitter. Criteria: CeGaT Center For Human Genetics Tuebingen Variant Classification Criteria Version 2. Collection method: clinical testing. Allele origin: germline. Affected: yes. Observed: 1 variant allele.
Comment: RPGRIP1: BP4, BS1, BS2

Blueprint Genetics
Classification: Likely benign. Last evaluated: 2024-11-26. Review status: criteria provided, single submitter. Criteria: ACMG Guidelines, 2015. Collection method: clinical testing. Allele origin: germline.

Breakthrough Genomics
Classification: Benign. Review status: criteria provided, single submitter. Criteria: ACMG Guidelines, 2015. Collection method: not provided. Allele origin: germline. Inheritance: Autosomal recessive inheritance. Affected: yes.